The following is an entry in ClinVar:

ClinVar aggregate classification (germline): Pathogenic (1 of 4 stars; one submission).

Allele frequency attached by ClinVar (database versions not stated): gnomAD exomes 0.00001; TOPMed below 0.00001; ExAC 0.00001; gnomAD 0.00001.
gnomAD v4.1: 17 of 1,614,010 alleles (0.0011%); highest among the groups gnomAD compares: East Asian, 0.031%; no homozygotes.

Submission:

Labcorp Genetics (formerly Invitae), Labcorp
Classification: Pathogenic. Last evaluated: 2023-12-23. Review status: criteria provided, single submitter. Criteria: Invitae Variant Classification Sherloc (09022015). Collection method: clinical testing. Allele origin: germline.
Comment: This sequence change replaces cysteine, which is neutral and slightly polar, with arginine, which is basic and polar, at codon 1264 of the TG protein (p.Cys1264Arg). This variant is present in population databases (rs2076738, gnomAD 0.02%). This missense change has been observed in individual(s) with clinical features of thyroid dyshormonogenesis 3 and/or thyroid cancer (PMID: 9790265, 21900383, 31607114, 32633627). In at least one individual the data is consistent with being in trans (on the opposite chromosome) from a pathogenic variant. This variant is also known as C1263R. Advanced modeling of protein sequence and biophysical properties (such as structural, functional, and spatial information, amino acid conservation, physicochemical variation, residue mobility, and thermodynamic stability) performed at Invitae indicates that this missense variant is expected to disrupt TG protein function with a positive predictive value of 80%. For these reasons, this variant has been classified as Pathogenic.

Literature cited by the submitters: PubMed 9790265; PubMed 21900383; PubMed 31607114; PubMed 32633627.

NM_003235.5(TG):c.3790T>C (p.Cys1264Arg)

Gene: TG (thyroglobulin; plus strand). Cytogenetic location: 8q24.22.
Variant type: single nucleotide variant.
Coding change: c.3790T>C on transcript NM_003235.5 (MANE Select); coding-DNA position 3790, T replaced by C.
Protein change: p.Cys1264Arg; replaces cysteine 1264 with arginine.
Molecular consequence: missense variant.
Genome position (GRCh38, 1-based): chr8:132,906,843, T>C. VCF-style: chr8-132906843-T-C. GRCh37 (hg19) VCF-style: chr8-133919088-T-C.
Other names: short protein forms C1264R.
Identifiers: ClinVar variation 2735218 (VCV002735218.4), dbSNP rs2076738, ClinGen allele CA4883885.
Genomic context (GRCh38, chr8:132,906,843, plus strand): 5'-CAGTGCCAATTGCTGTGCCGCCAGGGCTCCTGGAGCGTGTTTCCACCAGGGCCATTGATA[T>C]GTAGCCTGGAGAGCGGACGCTGGGAGTCACAGCTGCCTCAGCCCCGGGCCTGCCAACGTG-3'
Protein context (NP_003226.4, residues 1254-1274): WSVFPPGPLI[Cys1264Arg]SLESGRWESQ